The following is an entry in ClinVar:

NM_003719.5(PDE8B):c.*516A>G

Gene: PDE8B (phosphodiesterase 8B; plus strand). Cytogenetic location: 5q13.3.
Variant type: single nucleotide variant.
Coding change: c.*516A>G on transcript NM_003719.5 (MANE Select); 516 bases downstream of the stop codon, A replaced by G.
Molecular consequence: 3 prime UTR variant.
Genome position (GRCh38, 1-based): chr5:77,427,070, A>G. VCF-style: chr5-77427070-A-G. GRCh37 (hg19) VCF-style: chr5-76722895-A-G.
Other names: c.*516A>G (NM_001029851.4, NM_001029852.4, NM_001029853.4 and 19 more transcripts); c.*602A>G (NM_001349751.3, NM_001376072.1).
Identifiers: ClinVar variation 354193 (VCV000354193.6), dbSNP rs459366, ClinGen allele CA10624984.

ClinVar aggregate classification (germline): Benign. Review status: criteria provided, multiple submitters, no conflicts (2 of 4 stars). 2 submissions from 2 submitters: Benign (2). Last evaluated 2018-01-12.

Conditions:
Autosomal dominant striatal neurodegeneration type 1. Identifiers: Orphanet 228169, MedGen C4310808, MONDO:0012205, OMIM 609161.

Allele frequency attached by ClinVar (database versions not stated): gnomAD exomes 0.11156; gnomAD 0.23685 and 0.24072; TOPMed 0.26356; 1000 Genomes Project 0.34864; 1000 Genomes Project 30x 0.35384.
gnomAD v4.1: 37,477 of 160,738 alleles (23%); highest among the groups gnomAD compares: African/African-American, 46%; 6,443 homozygotes.

Submissions (2):

Illumina Laboratory Services, Illumina
Classification: Benign for Autosomal dominant striatal neurodegeneration type 1. Last evaluated: 2018-01-12. Review status: criteria provided, single submitter. Criteria: ICSL Variant Classification Criteria 13 December 2019. Collection method: clinical testing. Allele origin: germline.
Comment: This variant was observed in the ICSL laboratory as part of a predisposition screen in an ostensibly healthy population. It had not been previously curated by ICSL or reported in the Human Gene Mutation Database (HGMD: prior to June 1st, 2018), and was therefore a candidate for classification through an automated scoring system. Utilizing variant allele frequency, disease prevalence and penetrance estimates, and inheritance mode, an automated score was calculated to assess if this variant is too frequent to cause the disease. Based on the score and internal cut-off values, a variant classified as benign is not then subjected to further curation. The score for this variant resulted in a classification of benign for this disease.

Breakthrough Genomics
Classification: Benign. Review status: criteria provided, single submitter. Criteria: ACMG Guidelines, 2015. Collection method: not provided. Allele origin: germline. Inheritance: Autosomal dominant inheritance. Affected: yes.